The following is an entry in ClinVar:

ClinVar aggregate classification (germline): Pathogenic (1 of 4 stars; one submission).

Conditions:
Argininosuccinate lyase deficiency. Also called: ARGININOSUCCINIC ACID LYASE DEFICIENCY; ASL DEFICIENCY; Argininosuccinic aciduria. Identifiers: Orphanet 23, MedGen C0268547, MONDO:0008815, OMIM 207900, HP:0025630.

Submission:

Labcorp Genetics (formerly Invitae), Labcorp
Classification: Pathogenic for Argininosuccinate lyase deficiency. Last evaluated: 2023-01-28. Review status: criteria provided, single submitter. Criteria: Invitae Variant Classification Sherloc (09022015). Collection method: clinical testing. Allele origin: germline.
Comment: This sequence change affects a donor splice site in intron 8 of the ASL gene. It is expected to disrupt RNA splicing. Variants that disrupt the donor or acceptor splice site typically lead to a loss of protein function (PMID: 16199547), and loss-of-function variants in ASL are known to be pathogenic (PMID: 2263616, 24166829). This variant is not present in population databases (gnomAD no frequency). Disruption of this splice site has been observed in individual(s) with argininosuccinate lyase deficiency (PMID: 24166829; Invitae). Algorithms developed to predict the effect of sequence changes on RNA splicing suggest that this variant may disrupt the consensus splice site. For these reasons, this variant has been classified as Pathogenic.

Literature cited by the submitters: PubMed 16199547; PubMed 2263616; PubMed 24166829.

NM_000048.4(ASL):c.602+2T>C

Gene: ASL (argininosuccinate lyase; plus strand). Cytogenetic location: 7q11.21.
Variant type: single nucleotide variant.
Coding change: c.602+2T>C on transcript NM_000048.4 (MANE Select); the canonical splice donor site of the intron after coding-DNA position 602, T replaced by C.
Molecular consequence: splice donor variant. On other transcripts: intron variant (1).
Genome position (GRCh38, 1-based): chr7:66,086,823, T>C. VCF-style: chr7-66086823-T-C. GRCh37 (hg19) VCF-style: chr7-65551810-T-C.
Other names: c.602+2T>C (NM_001024943.2, NM_001024944.2); c.524+161T>C (NM_001024946.2).
Identifiers: ClinVar variation 2830494 (VCV002830494.3), dbSNP rs1584028092, ClinGen allele CA367642789.